The following is an entry in ClinVar:

ClinVar aggregate classification (germline): Likely benign. Review status: criteria provided, single submitter (1 of 4 stars). 2 submissions from 2 submitters: Likely benign (1). 1 of the submissions does not count toward it. Last evaluated 2025-10-01.

Conditions:
HDAC4-related disorder. Also called: HDAC4-related condition.

Allele frequency attached by ClinVar (database versions not stated): TOPMed 0.00012; gnomAD 0.00016; ExAC 0.00007; ESP Exome Variant Server 0.00015.
gnomAD v4.1: 225 of 1,613,292 alleles (0.014%); highest among the groups gnomAD compares: Non-Finnish European, 0.015%; no homozygotes.

Submissions (2):

Labcorp Genetics (formerly Invitae), Labcorp
Classification: Likely benign. Last evaluated: 2025-10-01. Review status: criteria provided, single submitter. Criteria: Invitae Variant Classification Sherloc (09022015). Collection method: clinical testing. Allele origin: germline.

PreventionGenetics, part of Exact Sciences
Classification: Likely benign for HDAC4-related condition. Last evaluated: 2023-09-08. Review status: no assertion criteria provided. Collection method: clinical testing. Allele origin: germline. Not counted in ClinVar's aggregate classification.
Comment: This variant is classified as likely benign based on ACMG/AMP sequence variant interpretation guidelines (Richards et al. 2015 PMID: 25741868, with internal and published modifications).

NM_001378414.1(HDAC4):c.2304C>T (p.Asn768=)

Gene: HDAC4 (histone deacetylase 4; minus strand). Cytogenetic location: 2q37.3.
Variant type: single nucleotide variant.
Coding change: c.2304C>T on transcript NM_001378414.1 (MANE Select); coding-DNA position 2304, C replaced by T.
Protein change: p.Asn768=; no amino-acid change (asparagine 768 retained).
Molecular consequence: synonymous variant.
Genome position (GRCh38, 1-based): chr2:239,090,093, G>A on the plus strand (C>T on the coding strand, the complement: HDAC4 is on the minus strand). VCF-style: chr2-239090093-G-A. GRCh37 (hg19) VCF-style: chr2-240011789-G-A.
Other names: c.2304C>T, p.Asn768= (NM_001378415.1); c.2289C>T, p.Asn763= (NM_001378416.1, NM_001378417.1, NM_006037.4).
Identifiers: ClinVar variation 3054244 (VCV003054244.3), dbSNP rs372519097, ClinGen allele CA2199458.